The following is an entry in ClinVar:

ClinVar aggregate classification (germline): Likely pathogenic (1 of 4 stars; one submission).

Submission:

Labcorp Genetics (formerly Invitae), Labcorp
Classification: Likely pathogenic. Last evaluated: 2023-06-20. Review status: criteria provided, single submitter. Criteria: Invitae Variant Classification Sherloc (09022015). Collection method: clinical testing. Allele origin: germline.
Comment: In summary, the currently available evidence indicates that the variant is pathogenic, but additional data are needed to prove that conclusively. Therefore, this variant has been classified as Likely Pathogenic. Algorithms developed to predict the effect of sequence changes on RNA splicing suggest that this variant may disrupt the consensus splice site. This variant has not been reported in the literature in individuals affected with RAB3GAP1-related conditions. This variant is not present in population databases (gnomAD no frequency). This sequence change affects a donor splice site in intron 7 of the RAB3GAP1 gene. It is expected to disrupt RNA splicing. Variants that disrupt the donor or acceptor splice site typically lead to a loss of protein function (PMID: 16199547), and loss-of-function variants in RAB3GAP1 are known to be pathogenic (PMID: 23420520).

Literature cited by the submitters: PubMed 16199547; PubMed 23420520.

NM_012233.3(RAB3GAP1):c.648+1G>C

Gene: RAB3GAP1 (RAB3 GTPase activating protein catalytic subunit 1; plus strand). Cytogenetic location: 2q21.3.
Variant type: single nucleotide variant.
Coding change: c.648+1G>C on transcript NM_012233.3 (MANE Select); the canonical splice donor site of the intron after coding-DNA position 648, G replaced by C.
Molecular consequence: splice donor variant.
Genome position (GRCh38, 1-based): chr2:135,115,382, G>C. VCF-style: chr2-135115382-G-C. GRCh37 (hg19) VCF-style: chr2-135872952-G-C.
Other names: c.648+1G>C (NM_001172435.2).
Identifiers: ClinVar variation 2857713 (VCV002857713.3), dbSNP rs1463361799, ClinGen allele CA348567373.